The following is an entry in ClinVar:

NM_004329.3(BMPR1A):c.1560G>A (p.Thr520=)

Gene: BMPR1A (bone morphogenetic protein receptor type 1A; plus strand). Cytogenetic location: 10q23.2.
Variant type: single nucleotide variant.
Coding change: c.1560G>A on transcript NM_004329.3 (MANE Select); coding-DNA position 1560, G replaced by A.
Protein change: p.Thr520=; no amino-acid change (threonine 520 retained).
Molecular consequence: synonymous variant.
Genome position (GRCh38, 1-based): chr10:86,923,680, G>A. VCF-style: chr10-86923680-G-A. GRCh37 (hg19) VCF-style: chr10-88683437-G-A.
Other names: p.T520T:ACG>ACA.
Identifiers: ClinVar variation 136527 (VCV000136527.36), dbSNP rs142775086, ClinGen allele CA201034.

ClinVar aggregate classification (germline): Benign/Likely benign. Review status: criteria provided, multiple submitters, no conflicts (2 of 4 stars). 15 submissions from 15 submitters: Benign (9); Likely benign (4). 2 of the submissions do not count toward it. Last evaluated 2026-10-01.

Conditions:
Juvenile polyposis syndrome (JPS). Identifiers: Orphanet 2929, MedGen C0345893, MONDO:0017380, OMIM 174900.
Hereditary cancer-predisposing syndrome. Also called: Neoplastic Syndromes, Hereditary; Tumor predisposition; Hereditary neoplastic syndrome; Hereditary Cancer Syndrome. Identifiers: Orphanet 140162, MedGen C0027672, MeSH D009386, MONDO:0015356.
Carcinoma of colon (CRC). Also called: Colonic carcinoma; Colon carcinoma. Identifiers: MedGen C0699790, MONDO:0002032.

Allele frequency attached by ClinVar (database versions not stated): gnomAD exomes 0.00011 and 0.00031; 1000 Genomes Project 30x 0.00031; ExAC 0.00035; 1000 Genomes Project 0.00040; gnomAD 0.00120 and 0.00136; TOPMed 0.00136; ESP Exome Variant Server 0.00146.
gnomAD v4.1: 348 of 1,614,130 alleles (0.022%); highest among the groups gnomAD compares: African/African-American, 0.4%; 1 homozygote.

Submissions (15):

CeGaT Center for Human Genetics Tuebingen
Classification: Likely benign. Last evaluated: 2026-10-01. Review status: criteria provided, single submitter. Criteria: CeGaT Center For Human Genetics Tuebingen Variant Classification Criteria Version 2. Collection method: clinical testing. Allele origin: germline. Affected: yes. Observed: 1 variant allele.
Comment: BMPR1A: BP4, BP7

Labcorp Genetics (formerly Invitae), Labcorp
Classification: Benign for Juvenile polyposis syndrome. Last evaluated: 2026-01-28. Review status: criteria provided, single submitter. Criteria: Invitae Variant Classification Sherloc (09022015). Collection method: clinical testing. Allele origin: germline.

Blueprint Genetics
Classification: Likely benign. Last evaluated: 2024-09-05. Review status: criteria provided, single submitter. Criteria: ACMG Guidelines, 2015. Collection method: clinical testing. Allele origin: germline.

Myriad Genetics, Inc.
Classification: Benign for Juvenile polyposis syndrome. Last evaluated: 2024-08-08. Review status: criteria provided, single submitter. Criteria: Myriad Autosomal Dominant, Autosomal Recessive and X-Linked Classification Criteria (2023). Collection method: clinical testing. Allele origin: unknown.
Comment: This variant is considered benign. This variant is a silent/synonymous amino acid change and it is not expected to impact splicing.

All of Us Research Program, National Institutes of Health
Classification: Benign for Juvenile polyposis syndrome. Last evaluated: 2024-01-22. Review status: criteria provided, single submitter. Criteria: ACMG Guidelines, 2015. Collection method: clinical testing. Allele origin: germline. Inheritance: Autosomal dominant inheritance. Observed: 62 variant alleles, 62 heterozygotes.
Comment: This study involves interpretation of variants in research participants for the purpose of population health screening. Participant phenotype was not available at the time of variant classification. Additional details can be found in publication PMID: 35346344, PMCID: PMC8962531

KCCC/NGS Laboratory, Kuwait Cancer Control Center
Classification: Benign for Juvenile polyposis syndrome. Last evaluated: 2023-07-07. Review status: criteria provided, single submitter. Criteria: ACMG Guidelines, 2015. Collection method: clinical testing. Allele origin: germline. Affected: yes.

Quest Diagnostics Nichols Institute San Juan Capistrano
Classification: Benign. Last evaluated: 2021-11-12. Review status: criteria provided, single submitter. Criteria: Quest Diagnostics criteria. Collection method: clinical testing. Allele origin: unknown.

Sema4
Classification: Benign for Hereditary cancer-predisposing syndrome. Last evaluated: 2020-12-31. Review status: criteria provided, single submitter. Criteria: Sema4 Curation Guidelines. Collection method: curation. Allele origin: germline.

Color Diagnostics, LLC DBA Color Health
Classification: Benign for Hereditary cancer-predisposing syndrome. Last evaluated: 2016-03-09. Review status: criteria provided, single submitter. Criteria: ACMG Guidelines, 2015. Collection method: clinical testing. Allele origin: germline.

Eurofins Ntd Llc (ga)
Classification: Benign. Last evaluated: 2015-04-25. Review status: criteria provided, single submitter. Criteria: EGL Classification Definitions 2015. Collection method: clinical testing. Allele origin: germline. Observed: 1 variant allele, 1 heterozygote.

Ambry Genetics
Classification: Likely benign for Hereditary cancer-predisposing syndrome. Last evaluated: 2014-10-30. Review status: criteria provided, single submitter. Criteria: Ambry Variant Classification Scheme 2023. Collection method: clinical testing. Allele origin: germline.

GeneDx
Classification: Benign. Last evaluated: 2014-02-26. Review status: criteria provided, single submitter. Criteria: GeneDx Variant Classification (06012015). Collection method: clinical testing. Allele origin: germline. Affected: yes.
Comment: This variant is considered likely benign or benign based on one or more of the following criteria: it is a conservative change, it occurs at a poorly conserved position in the protein, it is predicted to be benign by multiple in silico algorithms, and/or has population frequency not consistent with disease.

Breakthrough Genomics
Classification: Likely benign. Review status: criteria provided, single submitter. Criteria: ACMG Guidelines, 2015. Collection method: not provided. Allele origin: germline. Inheritance: Autosomal dominant inheritance. Affected: yes.

Department of Pathology and Laboratory Medicine, Sinai Health System
Classification: Likely benign for Carcinoma of colon. Review status: no assertion criteria provided. Collection method: clinical testing. Allele origin: unknown. Affected: yes. Study: The Canadian Open Genetics Repository (COGR). Not counted in ClinVar's aggregate classification.
Comment: The BMPR1A p.Thr520= variant was not identified in the literature nor was it identified in the Cosmic or LOVD 3.0 databases. The variant was identified in dbSNP (ID: rs142775086) as "With other allele" and ClinVar (classified as benign by GeneDx, Invitae, Color Genomics and two other clinical laboratories; as likely benign by Ambry Genetics and Mayo Clinic). The variant was identified in control databases in 108 of 277220 chromosomes at a frequency of 0.0004 (Genome Aggregation Database Feb 27, 2017). The variant was observed in the following populations: African in 99 of 24020 chromosomes (freq: 0.004), Latino in 7 of 34420 chromosomes (freq: 0.0002), and South Asian in 2 of 30780 chromosomes (freq: 0.00007); it was not observed in the Other, European, Ashkenazi Jewish, East Asian, or Finnish populations. The p.Thr520= variant is not expected to have clinical significance because it does not result in a change of amino acid and is not located in a known consensus splice site. In addition, in silico or computational prediction software programs (SpliceSiteFinder, MaxEntScan, NNSPLICE, GeneSplicer, HumanSpliceFinder) do not predict a difference in splicing. In summary, based on the above information, the clinical significance of this variant cannot be determined with certainty at this time although we would lean towards a more benign role for this variant. This variant is classified as likely benign.

Mayo Clinic Laboratories, Mayo Clinic
Classification: Likely benign. Review status: no assertion criteria provided. Collection method: clinical testing. Allele origin: unknown. Not counted in ClinVar's aggregate classification.